The following is an entry in ClinVar:

NM_002230.4(JUP):c.73_88del (p.Gly25fs)

Gene: JUP (junction plakoglobin; minus strand). Cytogenetic location: 17q21.2.
Variant type: Deletion.
Coding change: c.73_88del on transcript NM_002230.4 (MANE Select); coding-DNA positions 73 to 88, 16 bases deleted (GGTATCCACTCGGGCG).
Protein change: p.Gly25fs; shifts the reading frame from glycine 25.
Molecular consequence: frameshift variant.
Genome position (GRCh38, 1-based): chr17:41,771,767-41,771,782, CGCCCGAGTGGATACC deleted on the plus strand (GGTATCCACTCGGGCG on the coding strand, the reverse complement: JUP is on the minus strand); deleting any 16 consecutive bases within chr17:41,771,767-41,771,784 gives the same sequence; the c. name uses the placement nearest the transcript's 3' end. VCF-style (leftmost placement, unchanged base first): chr17-41771766-GCGCCCGAGTGGATACC-G. GRCh37 (hg19) VCF-style: chr17-39928018-GCGCCCGAGTGGATACC-G.
Other names: c.73_88del, p.Gly25fs (NM_001352773.2, NM_001352774.2, NM_001352775.2 and 3 more transcripts); short protein forms G25fs.
Identifiers: ClinVar variation 930575 (VCV000930575.3), dbSNP rs1916687478, ClinGen allele CA1139665528.

ClinVar aggregate classification (germline): Uncertain significance (1 of 4 stars; one submission).

Conditions:
Naxos disease (NXD). Also called: MAL DE NAXOS; PALMOPLANTAR KERATODERMA WITH ARRHYTHMOGENIC RIGHT VENTRICULAR CARDIOMYOPATHY AND WOOLLY HAIR; WOOLLY HAIR, PALMOPLANTAR KERATODERMA, AND CARDIAC ABNORMALITIES; CARDIOMYOPATHY, ARRHYTHMOGENIC RIGHT VENTRICULAR, WITH SKIN, HAIR, AND NAIL ABNORMALITIES; KERATOSIS PALMOPLANTARIS WITH ARRHYTHMOGENIC CARDIOMYOPATHY. Identifiers: Orphanet 34217, MedGen C1832600, MONDO:0011017, OMIM 601214.

Submission:

Centre for Mendelian Genomics, University Medical Centre Ljubljana
Classification: Uncertain significance for Naxos disease. Last evaluated: 2019-10-03. Review status: criteria provided, single submitter. Criteria: ACMG Guidelines, 2015. Collection method: clinical testing. Allele origin: unknown. Affected: yes.
Comment: This variant was classified as: Uncertain significance. The available evidence on this variant's pathogenicity is insufficient or conflicting. The following ACMG criteria were applied in classifying this variant: PM2.